The following is an entry in ClinVar:

ClinVar aggregate classification (germline): Likely pathogenic. Review status: criteria provided, single submitter (1 of 4 stars). 2 submissions from 2 submitters: Likely pathogenic (1). 1 of the submissions does not count toward it. Last evaluated 2018-10-25.

Conditions:
POLR1D-related disorder. Also called: POLR1D-related condition.

Allele frequency attached by ClinVar (database versions not stated): gnomAD exomes below 0.00001.

Submissions (2):

Blueprint Genetics
Classification: Likely pathogenic for POLR1D-related disorders. Last evaluated: 2018-10-25. Review status: criteria provided, single submitter. Criteria: ACMG Guidelines, 2015. Collection method: clinical testing. Allele origin: germline. Affected: yes. Observed: 3 variant alleles.

PreventionGenetics, part of Exact Sciences
Classification: Uncertain significance for POLR1D-related condition. Last evaluated: 2023-10-31. Review status: no assertion criteria provided. Collection method: clinical testing. Allele origin: germline. Not counted in ClinVar's aggregate classification.
Comment: The POLR1D c.149C>T variant is predicted to result in the amino acid substitution p.Thr50Ile. This variant has been previously reported in an individual with Treacher Collins syndrome (Dauwerse et al. 2010. PubMed ID: 21131976). This variant has not been reported in a large population database, indicating this variant is rare. Although we suspect that this variant may be pathogenic, at this time, the clinical significance of this variant is uncertain due to the absence of conclusive functional and genetic evidence.

NM_015972.4(POLR1D):c.149C>T (p.Thr50Ile)

Genes: POLR1D (RNA polymerase I and III subunit D; plus strand), LOC147380392 (uncharacterized LOC147380392; plus strand). Cytogenetic location: 13q12.2.
Variant type: single nucleotide variant.
Coding change: c.149C>T on transcript NM_015972.4 (MANE Select); coding-DNA position 149, C replaced by T.
Protein change: p.Thr50Ile; replaces threonine 50 with isoleucine.
Molecular consequence: missense variant. On other transcripts: intron variant (2).
Genome position (GRCh38, 1-based): chr13:27,622,997, C>T. VCF-style: chr13-27622997-C-T. GRCh37 (hg19) VCF-style: chr13-28197134-C-T.
Other names: c.149C>T, p.Thr50Ile (NM_001374407.1); c.-59+1857C>T (NM_001206559.2); c.26+988C>T (NM_152705.3); short protein forms T50I.
Identifiers: ClinVar variation 2632837 (VCV002632837.4), dbSNP rs2500474755, ClinGen allele CA387635129.